The following is an entry in ClinVar:

ClinVar aggregate classification (germline): Benign/Likely benign. Review status: criteria provided, multiple submitters, no conflicts (2 of 4 stars). 3 submissions from 3 submitters: Benign (1); Likely benign (2). Last evaluated 2025-12-28.

Conditions:
EVC2-related disorder. Also called: EVC2-related condition.
Curry-Hall syndrome (WAD). Also called: WEYERS ACRODENTAL DYSOSTOSIS. Identifiers: Orphanet 952, MedGen C0457013, MONDO:0008673, OMIM 193530.
Ellis-van Creveld syndrome (EVC). Also called: Chondroectodermal dysplasia; MESOECTODERMAL DYSPLASIA. Identifiers: Orphanet 289, MedGen C0013903, MONDO:0009162, OMIM 225500.

Allele frequency attached by ClinVar (database versions not stated): gnomAD exomes 0.00006 and 0.00017; ExAC 0.00012; ESP Exome Variant Server 0.00031; gnomAD 0.00053 and 0.00059; TOPMed 0.00066; 1000 Genomes Project 30x 0.00094; 1000 Genomes Project 0.00100.
gnomAD v4.1: 178 of 1,613,574 alleles (0.011%); highest among the groups gnomAD compares: African/African-American, 0.2%; no homozygotes.

Submissions (3):

Labcorp Genetics (formerly Invitae), Labcorp
Classification: Benign for Curry-Hall syndrome; Ellis-van Creveld syndrome. Last evaluated: 2025-12-28. Review status: criteria provided, single submitter. Criteria: Invitae Variant Classification Sherloc (09022015). Collection method: clinical testing. Allele origin: germline.

PreventionGenetics, part of Exact Sciences
Classification: Likely benign for EVC2-related condition. Last evaluated: 2024-10-19. Review status: criteria provided, single submitter. Criteria: ACMG Guidelines, 2015. Collection method: clinical testing. Allele origin: germline.
Comment: This variant is classified as likely benign based on ACMG/AMP sequence variant interpretation guidelines (Richards et al. 2015 PMID: 25741868, with internal and published modifications).

Blueprint Genetics
Classification: Likely benign. Last evaluated: 2023-01-26. Review status: criteria provided, single submitter. Criteria: ACMG Guidelines, 2015. Collection method: clinical testing. Allele origin: germline.

NM_147127.5(EVC2):c.1287T>C (p.Ser429=)

Genes: EVC2 (EvC ciliary complex subunit 2; minus strand), LOC126806961 (BRD4-independent group 4 enhancer GRCh37_chr4:5641443-5642642; plus strand). Cytogenetic location: 4p16.2.
Variant type: single nucleotide variant.
Coding change: c.1287T>C on transcript NM_147127.5 (MANE Select); coding-DNA position 1287, T replaced by C.
Protein change: p.Ser429=; no amino-acid change (serine 429 retained).
Molecular consequence: synonymous variant.
Genome position (GRCh38, 1-based): chr4:5,640,697, A>G on the plus strand (T>C on the coding strand, the complement: EVC2 is on the minus strand). VCF-style: chr4-5640697-A-G. GRCh37 (hg19) VCF-style: chr4-5642424-A-G.
Other names: c.1287T>C (NM_147127.4); c.1047T>C, p.Ser349= (NM_001166136.2).
Identifiers: ClinVar variation 1164465 (VCV001164465.12), dbSNP rs148775651, ClinGen allele CA2835100.